The following is an entry in ClinVar:

NM_001086521.2(NDUFAF8):c.170C>A (p.Ala57Asp)

Gene: NDUFAF8 (NADH:ubiquinone oxidoreductase complex assembly factor 8; plus strand). Cytogenetic location: 17q25.3.
Variant type: single nucleotide variant.
Coding change: c.170C>A on transcript NM_001086521.2 (MANE Select); coding-DNA position 170, C replaced by A.
Protein change: p.Ala57Asp; replaces alanine 57 with aspartic acid.
Molecular consequence: missense variant. On other transcripts: 5 prime UTR variant (1).
Genome position (GRCh38, 1-based): chr17:81,239,653, C>A. VCF-style: chr17-81239653-C-A. GRCh37 (hg19) VCF-style: chr17-79213453-C-A.
Other names: c.170C>A, p.Ala57Asp (NM_001353402.1); c.-254C>A (NM_001353403.1); short protein forms A57D.
Identifiers: ClinVar variation 2648446 (VCV002648446.24), dbSNP rs917453527, ClinGen allele CA295018017.

ClinVar aggregate classification (germline): Uncertain significance (1 of 4 stars; one submission).

gnomAD v4.1: 14 of 1,539,976 alleles (0.00091%); highest among the groups gnomAD compares: Non-Finnish European, 0.0012%; no homozygotes.

Submission:

CeGaT Center for Human Genetics Tuebingen
Classification: Uncertain significance. Last evaluated: 2023-01-01. Review status: criteria provided, single submitter. Criteria: CeGaT Center For Human Genetics Tuebingen Variant Classification Criteria Version 2. Collection method: clinical testing. Allele origin: germline. Affected: yes. Observed: 1 variant allele.
Comment: NDUFAF8: PM2, BP4